The following is an entry in ClinVar:

ClinVar aggregate classification (germline): Uncertain significance (1 of 4 stars; one submission).

Conditions:
Hereditary cancer-predisposing syndrome. Also called: Neoplastic Syndromes, Hereditary; Tumor predisposition; Hereditary neoplastic syndrome; Hereditary Cancer Syndrome. Identifiers: Orphanet 140162, MedGen C0027672, MeSH D009386, MONDO:0015356.

Submission:

Ambry Genetics
Classification: Uncertain significance for Hereditary cancer-predisposing syndrome. Last evaluated: 2023-12-22. Review status: criteria provided, single submitter. Criteria: Ambry Variant Classification Scheme 2023. Collection method: clinical testing. Allele origin: germline.
Comment: The p.V82G variant (also known as c.245T>G), located in coding exon 3 of the POLE gene, results from a T to G substitution at nucleotide position 245. The valine at codon 82 is replaced by glycine, an amino acid with dissimilar properties. This amino acid position is conserved. In addition, this alteration is predicted to be deleterious by in silico analysis. Since supporting evidence is limited at this time, the clinical significance of this alteration remains unclear.

NM_006231.4(POLE):c.245T>G (p.Val82Gly)

Gene: POLE (DNA polymerase epsilon, catalytic subunit; minus strand). Cytogenetic location: 12q24.33.
Variant type: single nucleotide variant.
Coding change: c.245T>G on transcript NM_006231.4 (MANE Select); coding-DNA position 245, T replaced by G.
Protein change: p.Val82Gly; replaces valine 82 with glycine.
Molecular consequence: missense variant.
Genome position (GRCh38, 1-based): chr12:132,680,647, A>C on the plus strand (T>G on the coding strand, the complement: POLE is on the minus strand). VCF-style: chr12-132680647-A-C. GRCh37 (hg19) VCF-style: chr12-133257233-A-C.
Other names: short protein forms V82G.
Identifiers: ClinVar variation 3225419 (VCV003225419.1), dbSNP rs2542194084, ClinGen allele CA387369159.